The following is an entry in ClinVar:

NM_002439.5(MSH3):c.1877_1878del (p.Leu625_Cys626insTer)

Gene: MSH3 (mutS homolog 3; plus strand). Cytogenetic location: 5q14.1.
Variant type: Deletion.
Coding change: c.1877_1878del on transcript NM_002439.5 (MANE Select); coding-DNA positions 1877 to 1878, 2 bases deleted (GT; older notation c.1877_1878delGT).
Protein change: p.Leu625_Cys626insTer.
Molecular consequence: nonsense.
Genome position (GRCh38, 1-based): chr5:80,761,659-80,761,660, GT deleted; deleting any 2 consecutive bases within chr5:80,761,658-80,761,660 gives the same sequence; the c. name uses the placement nearest the transcript's 3' end. VCF-style (leftmost placement, unchanged base first): chr5-80761657-CTG-C. GRCh37 (hg19) VCF-style: chr5-80057476-CTG-C.
Other names: c.1877_1878delGT (NM_002439.3).
Identifiers: ClinVar variation 1075809 (VCV001075809.11), dbSNP rs1260807695, ClinGen allele CA560566154.
Genomic context (GRCh38, chr5:80,761,657, plus strand): 5'-TAGTGTGTTTGGTCAGATAGAAAATCATCTACGTAAATTGCCCGACATAGAGAGGGGACT[CTG>C]TAGCATTTATCACAAAAAAGTAAGTGTGATAGAAATCTATTAAAGCTGACAGTGTTCTTC-3'

ClinVar aggregate classification (germline): Pathogenic/Likely pathogenic. Review status: criteria provided, multiple submitters, no conflicts (2 of 4 stars). 4 submissions from 4 submitters: Pathogenic (3); Likely pathogenic (1). Last evaluated 2025-12-01.

Conditions:
Hereditary cancer-predisposing syndrome. Also called: Tumor predisposition; Hereditary neoplastic syndrome; Neoplastic Syndromes, Hereditary; Hereditary Cancer Syndrome. Identifiers: Orphanet 140162, MedGen C0027672, MeSH D009386, MONDO:0015356.
Familial adenomatous polyposis 4 (FAP4). Also called: MSH3-related attenuated familial adenomatous polyposis. Identifiers: Orphanet 480536, MedGen C4310719, MONDO:0044300, OMIM 617100.
Endometrial carcinoma. Also called: Endometrial carcinoma, somatic. Identifiers: MedGen C0476089, MONDO:0002447, OMIM 608089, HP:0012114.

Submissions (4):

Labcorp Genetics (formerly Invitae), Labcorp
Classification: Pathogenic. Last evaluated: 2025-12-01. Review status: criteria provided, single submitter. Criteria: Invitae Variant Classification Sherloc (09022015). Collection method: clinical testing. Allele origin: germline.
Comment: This sequence change creates a premature translational stop signal (p.Cys626*) in the MSH3 gene. It is expected to result in an absent or disrupted protein product. Loss-of-function variants in MSH3 are known to be pathogenic (PMID: 27476653, 37402566). This variant is present in population databases (no rsID available, gnomAD 0.007%). This variant has not been reported in the literature in individuals affected with MSH3-related conditions. ClinVar contains an entry for this variant (Variation ID: 1075809). For these reasons, this variant has been classified as Pathogenic.

Ambry Genetics
Classification: Pathogenic for Hereditary cancer-predisposing syndrome. Last evaluated: 2024-03-26. Review status: criteria provided, single submitter. Criteria: Ambry Variant Classification Scheme 2023. Collection method: clinical testing. Allele origin: germline.
Comment: The c.1877_1878delGT variant, located in coding exon 13 of the MSH3 gene, results from a deletion of two nucleotides at nucleotide positions 1877 to 1878, causing a translational frameshift with a predicted alternate stop codon (p.C626*). This variant is considered to be rare based on population cohorts in the Genome Aggregation Database (gnomAD). This alteration is expected to result in loss of function by premature protein truncation or nonsense-mediated mRNA decay. As such, this alteration is interpreted as a disease-causing mutation.

Baylor Genetics
Classification: Likely pathogenic for Endometrial carcinoma. Last evaluated: 2024-01-20. Review status: criteria provided, single submitter. Criteria: ACMG Guidelines, 2015. Collection method: clinical testing. Allele origin: unknown.

Myriad Genetics, Inc.
Classification: Pathogenic for Familial adenomatous polyposis 4. Last evaluated: 2023-08-30. Review status: criteria provided, single submitter. Criteria: Myriad Autosomal Dominant, Autosomal Recessive and X-Linked Classification Criteria (2023). Collection method: clinical testing. Allele origin: unknown.
Comment: This variant is considered pathogenic. This variant creates a termination codon and is predicted to result in premature protein truncation.

Literature cited by the submitters: PubMed 27476653 (cited by Labcorp Genetics (formerly Invitae), Labcorp); PubMed 37402566 (cited by Labcorp Genetics (formerly Invitae), Labcorp).